The following is an entry in ClinVar:

ClinVar aggregate classification (germline): Uncertain significance (1 of 4 stars; one submission).

Conditions:
Muscular dystrophy-dystroglycanopathy (congenital with brain and eye anomalies), type A14. Also called: WALKER-WARBURG SYNDROME OR MUSCLE-EYE-BRAIN DISEASE, GMPPB-RELATED; Congenital Muscular Dystrophy-Dystroglycanopathy with Brain and Eye Anomalies Type A 14; Congenital muscular dystrophy-dystroglycanopathy with brain and eye anomalies, type A14; Muscular dystrophy-dystroglycanopathy (congenital with brain and eye anomalies), type a, 14. Identifiers: Orphanet 588, MedGen C3809216, MONDO:0014140, OMIM 615350.
Muscular dystrophy-dystroglycanopathy (congenital with impaired intellectual development), type B, 14. Also called: Muscular dystrophy-dystroglycanopathy (congenital with intellectual disability), type B14; MUSCULAR DYSTROPHY, CONGENITAL, GMPPB-RELATED; Congenital muscular dystrophy-dystroglycanopathy with mental retardation, type B14. Identifiers: MedGen C3809221, MONDO:0014141, OMIM 615351.
Autosomal recessive limb-girdle muscular dystrophy type 2T. Also called: MUSCULAR DYSTROPHY-DYSTROGLYCANOPATHY, LIMB-GIRDLE, GMPPB-RELATED; Limb-girdle muscular dystrophy-dystroglycanopathy, type C14; MUSCULAR DYSTROPHY, LIMB-GIRDLE, TYPE 2T; Muscular dystrophy-dystroglycanopathy (limb-girdle), type c, 14. Identifiers: Orphanet 363623, MedGen C4518000, MONDO:0014142, OMIM 615352.

Submission:

Labcorp Genetics (formerly Invitae), Labcorp
Classification: Uncertain significance for Autosomal recessive limb-girdle muscular dystrophy type 2T; Muscular dystrophy-dystroglycanopathy (congenital with brain and eye anomalies), type A14; Muscular dystrophy-dystroglycanopathy (congenital with impaired intellectual development), type B, 14. Last evaluated: 2019-04-05. Review status: criteria provided, single submitter. Criteria: Invitae Variant Classification Sherloc (09022015). Collection method: clinical testing. Allele origin: germline.
Comment: This variant is not present in population databases (ExAC no frequency). This sequence change replaces glutamic acid with arginine at codon 130 of the GMPPB protein (p.Glu130Arg). The glutamic acid residue is highly conserved and there is a small physicochemical difference between glutamic acid and arginine. Algorithms developed to predict the effect of missense changes on protein structure and function are either unavailable or do not agree on the potential impact of this missense change (SIFT: "Not Available"; PolyPhen-2: "Probably Damaging"; Align-GVGD: "Not Available"). In summary, the available evidence is currently insufficient to determine the role of this variant in disease. Therefore, it has been classified as a Variant of Uncertain Significance. Algorithms developed to predict the effect of sequence changes on RNA splicing suggest that this variant may create or strengthen a splice site, but this prediction has not been confirmed by published transcriptional studies. This variant has not been reported in the literature in individuals with GMPPB-related conditions.

NM_021971.4(GMPPB):c.388_389delinsAG (p.Glu130Arg)

Gene: GMPPB (GDP-mannose pyrophosphorylase B; minus strand). Cytogenetic location: 3p21.31.
Variant type: Indel.
Coding change: c.388_389delinsAG on transcript NM_021971.4 (MANE Select); coding-DNA positions 388 to 389, GA replaced by AG.
Protein change: p.Glu130Arg; replaces glutamic acid 130 with arginine.
Molecular consequence: missense variant.
Genome position (GRCh38, 1-based): chr3:49,722,985-49,722,986, TC replaced by CT on the plus strand (GA replaced by AG on the coding strand, the reverse complement: GMPPB is on the minus strand). VCF-style: chr3-49722985-TC-CT. GRCh37 (hg19) VCF-style: chr3-49760418-TC-CT.
Other names: c.388_389delinsAG, p.Glu130Arg (NM_013334.4); short protein forms E130R.
Identifiers: ClinVar variation 945703 (VCV000945703.5), dbSNP rs2080445379, ClinGen allele CA1139658090.